The following is an entry in ClinVar:

ClinVar aggregate classification (germline): Conflicting classifications of pathogenicity. Review status: criteria provided, conflicting classifications (1 of 4 stars). 2 submissions from 2 submitters: Uncertain significance (1); Likely benign (1). Last evaluated 2025-06-07.

Conditions:
Inborn genetic diseases. Identifiers: MedGen C0950123, MeSH D030342.

Allele frequency attached by ClinVar (database versions not stated): ExAC 0.00002; gnomAD exomes 0.00002; TOPMed 0.00003; gnomAD 0.00004.
gnomAD v4.1: 27 of 1,297,710 alleles (0.0021%); highest among the groups gnomAD compares: Middle Eastern, 0.037%; no homozygotes.

Submissions (2):

Ambry Genetics
Classification: Uncertain significance for Inborn genetic diseases. Last evaluated: 2025-06-07. Review status: criteria provided, single submitter. Criteria: Ambry Variant Classification Scheme 2023. Collection method: clinical testing. Allele origin: germline.

CeGaT Center for Human Genetics Tuebingen
Classification: Likely benign. Last evaluated: 2024-01-01. Review status: criteria provided, single submitter. Criteria: CeGaT Center For Human Genetics Tuebingen Variant Classification Criteria Version 2. Collection method: clinical testing. Allele origin: germline. Affected: yes. Observed: 1 variant allele.
Comment: GMNN: BP4

NM_015895.5(GMNN):c.463A>G (p.Ile155Val)

Gene: GMNN (geminin DNA replication inhibitor; plus strand). Cytogenetic location: 6p22.3.
Variant type: single nucleotide variant.
Coding change: c.463A>G on transcript NM_015895.5 (MANE Select); coding-DNA position 463, A replaced by G.
Protein change: p.Ile155Val; replaces isoleucine 155 with valine.
Molecular consequence: missense variant.
Genome position (GRCh38, 1-based): chr6:24,784,549, A>G. VCF-style: chr6-24784549-A-G. GRCh37 (hg19) VCF-style: chr6-24784777-A-G.
Other names: c.463A>G (NM_015895.3); c.463A>G, p.Ile155Val (NM_001251989.2, NM_001251990.2, NM_001251991.1); short protein forms I155V.
Identifiers: ClinVar variation 3025599 (VCV003025599.22), dbSNP rs201007411, ClinGen allele CA3658920.
Genomic context (GRCh38, chr6:24,784,549, plus strand): 5'-AAAAAGGAGAATAAAGAACTGGCAGAAGTAGCAGAACATGTACAGTATATGGCAGAGCTA[A>G]TAGAGGTAGGTAATTTAATAGTTATCTGGTTCAAATTTATGTATTTTTCTATAAAGTTGA-3'
Protein context (NP_056979.1, residues 145-165): AEHVQYMAEL[Ile155Val]ERLNGEPLDN